The following is an entry in ClinVar:

ClinVar aggregate classification (germline): Uncertain significance (0 of 4 stars; one submission).

Conditions:
CREBBP-related disorder. Also called: CREBBP-related condition; CREBBP-related disorders.

Submission:

PreventionGenetics, part of Exact Sciences
Classification: Uncertain significance for CREBBP-related condition. Last evaluated: 2023-11-14. Review status: no assertion criteria provided. Collection method: clinical testing. Allele origin: germline.
Comment: The CREBBP c.7221_7225del5 variant is predicted to result in a frameshift and premature protein termination (p.Met2408Profs*37). To our knowledge, this variant has not been reported in the literature or in a large population database, indicating this variant is rare. This variant is in exon 31, the terminal exon of the CREBBP gene. At this time, the clinical significance of this variant is uncertain due to the absence of conclusive functional and genetic evidence.

NM_004380.3(CREBBP):c.7221_7225del (p.Met2408fs)

Gene: CREBBP (CREB binding lysine acetyltransferase; minus strand). Cytogenetic location: 16p13.3.
Variant type: Deletion.
Coding change: c.7221_7225del on transcript NM_004380.3 (MANE Select); coding-DNA positions 7221 to 7225, 5 bases deleted (AATGC; older notation c.7221_7225delAATGC).
Protein change: p.Met2408fs; shifts the reading frame from methionine 2408.
Molecular consequence: frameshift variant.
Genome position (GRCh38, 1-based): chr16:3,727,822-3,727,826, GCATT deleted on the plus strand (AATGC on the coding strand, the reverse complement: CREBBP is on the minus strand); deleting any 5 consecutive bases within chr16:3,727,822-3,727,829 gives the same sequence; the c. name uses the placement nearest the transcript's 3' end. VCF-style (leftmost placement, unchanged base first): chr16-3727821-AGCATT-A. GRCh37 (hg19) VCF-style: chr16-3777822-AGCATT-A.
Other names: c.7107_7111del, p.Met2370fs (NM_001079846.1); short protein forms M2370fs, M2408fs.
Identifiers: ClinVar variation 2630101 (VCV002630101.3), dbSNP rs2548341482, ClinGen allele CA2695197438.
Genomic context (GRCh38, chr16:3,727,821, plus strand): 5'-TCCCCGACCAGGGACAGTTCGCTGGACAGCGCACTCCTGCTGGGGGTGTTCAGCTGGGGG[AGCATT>A]GCACTCTGTTCGGGGTTCCCCAAGTGTCCCTGATCTATGGAGCTGGCCATGGTGACTGCG-3'